The following is an entry in ClinVar:

NM_021098.3(CACNA1H):c.1778_1789del (p.His593_Thr597delinsPro)

Gene: CACNA1H (calcium voltage-gated channel subunit alpha1 H; plus strand). Cytogenetic location: 16p13.3.
Variant type: Deletion.
Coding change: c.1778_1789del on transcript NM_021098.3 (MANE Select); coding-DNA positions 1778 to 1789, 12 bases deleted (ATGCCGCAGCCA).
Protein change: p.His593_Thr597delinsPro.
Molecular consequence: inframe indel.
Genome position (GRCh38, 1-based): chr16:1,202,228-1,202,239, ATGCCGCAGCCA deleted. VCF-style (leftmost placement, unchanged base first): chr16-1202227-CATGCCGCAGCCA-C. GRCh37 (hg19) VCF-style: chr16-1252227-CATGCCGCAGCCA-C.
Other names: c.1778_1789del, p.His593_Thr597delinsPro (NM_001005407.2).
Identifiers: ClinVar variation 573615 (VCV000573615.14), dbSNP rs768475346, ClinGen allele CA7800002.

ClinVar aggregate classification (germline): Conflicting classifications of pathogenicity. Review status: criteria provided, conflicting classifications (1 of 4 stars). 4 submissions from 4 submitters: Uncertain significance (3); Likely benign (1). Last evaluated 2026-01-17.

Conditions:
Idiopathic generalized epilepsy. Also called: Generalised epilepsy; EIG. Identifiers: MedGen C0270850, MONDO:0005579, OMIM 600669.
Hyperaldosteronism, familial, type IV (HALD4). Also called: FH IV; ALDOSTERONISM, PRIMARY, AND HYPERTENSION. Identifiers: Orphanet 642671, MedGen C4310756, MONDO:0014875, OMIM 617027.

Allele frequency attached by ClinVar (database versions not stated): gnomAD exomes 0.00011 and 0.00013; ExAC 0.00020; gnomAD 0.00030; TOPMed 0.00057; 1000 Genomes Project 30x 0.00062.

Submissions (4):

Labcorp Genetics (formerly Invitae), Labcorp
Classification: Uncertain significance for Idiopathic generalized epilepsy; Hyperaldosteronism, familial, type IV. Last evaluated: 2026-01-17. Review status: criteria provided, single submitter. Criteria: Invitae Variant Classification Sherloc (09022015). Collection method: clinical testing. Allele origin: germline.
Comment: This variant, c.1778_1789del, is a complex sequence change that results in the deletion of 5 and insertion of 1 amino acid(s) in the CACNA1H protein (p.His593_Thr597delinsPro). This variant is present in population databases (rs768475346, gnomAD 0.03%). This variant has not been reported in the literature in individuals affected with CACNA1H-related conditions. ClinVar contains an entry for this variant (Variation ID: 573615). Experimental studies and prediction algorithms are not available or were not evaluated, and the functional significance of this variant is currently unknown. In summary, the available evidence is currently insufficient to determine the role of this variant in disease. Therefore, it has been classified as a Variant of Uncertain Significance.

Blueprint Genetics
Classification: Likely benign. Last evaluated: 2024-10-18. Review status: criteria provided, single submitter. Criteria: ACMG Guidelines, 2015. Collection method: clinical testing. Allele origin: germline.

Revvity Omics, Revvity
Classification: Uncertain significance for Hyperaldosteronism, familial, type IV. Last evaluated: 2020-11-17. Review status: criteria provided, single submitter. Criteria: ACMG Guidelines, 2015. Collection method: clinical testing. Allele origin: germline.

Athena Diagnostics
Classification: Uncertain significance. Last evaluated: 2017-11-15. Review status: criteria provided, single submitter. Criteria: Athena Diagnostics Criteria. Collection method: clinical testing. Allele origin: germline.